The following is an entry in ClinVar:

ClinVar aggregate classification (germline): Uncertain significance (1 of 4 stars; one submission).

gnomAD v4.1: 13 of 1,593,302 alleles (0.00082%); highest among the groups gnomAD compares: Non-Finnish European, 0.00094%; no homozygotes.

Submission:

Labcorp Genetics (formerly Invitae), Labcorp
Classification: Uncertain significance. Last evaluated: 2025-10-19. Review status: criteria provided, single submitter. Criteria: Invitae Variant Classification Sherloc (09022015). Collection method: clinical testing. Allele origin: germline.
Comment: This sequence change replaces serine, which is neutral and polar, with glycine, which is neutral and non-polar, at codon 24 of the ATPAF2 protein (p.Ser24Gly). This variant is present in population databases (no rsID available, gnomAD 0.002%). This variant has not been reported in the literature in individuals affected with ATPAF2-related conditions. An algorithm developed to predict the effect of missense changes on protein structure and function (PolyPhen-2) suggests that this variant is likely to be tolerated. In summary, the available evidence is currently insufficient to determine the role of this variant in disease. Therefore, it has been classified as a Variant of Uncertain Significance.

NM_145691.4(ATPAF2):c.70A>G (p.Ser24Gly)

Genes: ATPAF2 (ATP synthase mitochondrial F1 complex assembly factor 2; minus strand), LOC130060410 (ATAC-STARR-seq lymphoblastoid active region 11821; plus strand). Cytogenetic location: 17p11.2.
Variant type: single nucleotide variant.
Coding change: c.70A>G on transcript NM_145691.4 (MANE Select); coding-DNA position 70, A replaced by G.
Protein change: p.Ser24Gly; replaces serine 24 with glycine.
Molecular consequence: missense variant.
Genome position (GRCh38, 1-based): chr17:18,038,944, T>C on the plus strand (A>G on the coding strand, the complement: ATPAF2 is on the minus strand). VCF-style: chr17-18038944-T-C. GRCh37 (hg19) VCF-style: chr17-17942258-T-C.
Other names: short protein forms S24G.
Identifiers: ClinVar variation 4804827 (VCV004804827.1).
Genomic context (GRCh38, chr17:18,038,944, plus strand): 5'-TCGGCGGGGCGTAAGCCCGGGCTGGAGACGGGATGGTTGGCCCCGGACTCATAGAAGCGC[T>C]GGGGCCACCCGCCGGCCGATTCAGGAGACGGCGTCCCCCGTCCCGCAGCCGGAGGCAGCT-3'
Protein context (NP_663729.1, residues 14-34): RLLNRPAGGP[Ser24Gly]ASMSPGPTIP